The following is an entry in ClinVar:

ClinVar aggregate classification (germline): Uncertain significance (1 of 4 stars; one submission).

gnomAD v4.1: 1 of 1,614,008 alleles (0.000062%); highest among the groups gnomAD compares: African/African-American, 0.0013%; no homozygotes.

Submission:

Women's Health and Genetics/Laboratory Corporation of America, LabCorp
Classification: Uncertain significance. Last evaluated: 2025-12-12. Review status: criteria provided, single submitter. Criteria: LabCorp Variant Classification Summary - May 2015. Collection method: clinical testing. Allele origin: germline.
Comment: Variant summary: ABCA4 c.5898G>A (p.Glu1966Glu) alters a conserved nucleotide located close to a canonical splice site and therefore could affect mRNA splicing, leading to a significantly altered protein sequence. Several computational tools predict a significant impact on normal splicing: Two predict the variant abolishes a 5' splicing donor site. Two predict the variant weakens a 5' donor site. However, these predictions have yet to be confirmed by functional studies. The variant was absent in 251422 control chromosomes. The available data on variant occurrences in the general population are insufficient to allow any conclusion about variant significance. c.5898G>A has been observed in individual(s) affected with Stargardt Disease (Lopez-de la Rosa_2024, Gonzalez-Del Pozo_2018). These data do not allow any conclusion about variant significance. To our knowledge, no experimental evidence demonstrating an impact on protein function has been reported. The following publications have been ascertained in the context of this evaluation (PMID: 30190494, 38872169). No submitters have cited clinical-significance assessments for this variant to ClinVar. Based on the evidence outlined above, the variant was classified as uncertain significance.

Literature cited by the submitters: PubMed 30190494; PubMed 38872169.

NM_000350.3(ABCA4):c.5898G>A (p.Glu1966=)

Gene: ABCA4 (ATP binding cassette subfamily A member 4; minus strand). Cytogenetic location: 1p22.1.
Variant type: single nucleotide variant.
Coding change: c.5898G>A on transcript NM_000350.3 (MANE Select); coding-DNA position 5898, G replaced by A.
Protein change: p.Glu1966=; no amino-acid change (glutamic acid 1966 retained).
Molecular consequence: synonymous variant.
Genome position (GRCh38, 1-based): chr1:94,008,235, C>T on the plus strand (G>A on the coding strand, the complement: ABCA4 is on the minus strand). VCF-style: chr1-94008235-C-T. GRCh37 (hg19) VCF-style: chr1-94473791-C-T.
Other names: c.5676G>A, p.Glu1892= (NM_001425324.1).
Identifiers: ClinVar variation 4688328 (VCV004688328.1).